The following is an entry in ClinVar:

ClinVar aggregate classification (germline): Uncertain significance (1 of 4 stars; one submission).

Conditions:
Familial thoracic aortic aneurysm and aortic dissection (TAAD). Also called: Thoracic aortic aneurysms and dissections. Identifiers: Orphanet 91387, MedGen C4707243, MONDO:0019625.

Submission:

Color Diagnostics, LLC DBA Color Health
Classification: Uncertain significance for Familial thoracic aortic aneurysm and aortic dissection. Last evaluated: 2023-08-15. Review status: criteria provided, single submitter. Criteria: ACMG Guidelines, 2015. Collection method: clinical testing. Allele origin: germline.
Comment: This missense variant replaces isoleucine with leucine at codon 1999 of the FBN1 protein. Computational prediction suggests that this variant may not impact protein structure and function (internally defined REVEL score threshold <= 0.5, PMID: 27666373). To our knowledge, functional studies have not been reported for this variant. This variant has not been reported in individuals affected with FBN1-related disorders in the literature. This variant has not been identified in the general population by the Genome Aggregation Database (gnomAD). The available evidence is insufficient to determine the role of this variant in disease conclusively. Therefore, this variant is classified as a Variant of Uncertain Significance.

NM_000138.5(FBN1):c.5995A>C (p.Ile1999Leu)

Gene: FBN1 (fibrillin 1; minus strand). Cytogenetic location: 15q21.1.
Variant type: single nucleotide variant.
Coding change: c.5995A>C on transcript NM_000138.5 (MANE Select); coding-DNA position 5995, A replaced by C.
Protein change: p.Ile1999Leu; replaces isoleucine 1999 with leucine.
Molecular consequence: missense variant.
Genome position (GRCh38, 1-based): chr15:48,444,583, T>G on the plus strand (A>C on the coding strand, the complement: FBN1 is on the minus strand). VCF-style: chr15-48444583-T-G. GRCh37 (hg19) VCF-style: chr15-48736780-T-G.
Other names: c.5995A>C, p.Ile1999Leu (NM_001406716.1); short protein forms I1999L.
Identifiers: ClinVar variation 2773331 (VCV002773331.2), dbSNP rs183690919, ClinGen allele CA392339695.